The following is an entry in ClinVar:

ClinVar aggregate classification (germline): Uncertain significance (1 of 4 stars; one submission).

Conditions:
Gorlin syndrome. Also called: Basal cell nevus syndrome; Nevoid Basal Cell Carcinoma Syndrome. Identifiers: Orphanet 377, MedGen C0004779, MONDO:0007187.

Submission:

Labcorp Genetics (formerly Invitae), Labcorp
Classification: Uncertain significance for Gorlin syndrome. Last evaluated: 2020-04-28. Review status: criteria provided, single submitter. Criteria: Invitae Variant Classification Sherloc (09022015). Collection method: clinical testing. Allele origin: germline.
Comment: This sequence change replaces aspartic acid with valine at codon 911 of the PTCH1 protein (p.Asp911Val). The aspartic acid residue is moderately conserved and there is a large physicochemical difference between aspartic acid and valine. In summary, the available evidence is currently insufficient to determine the role of this variant in disease. Therefore, it has been classified as a Variant of Uncertain Significance. Algorithms developed to predict the effect of missense changes on protein structure and function are either unavailable or do not agree on the potential impact of this missense change (SIFT: "Deleterious"; PolyPhen-2: "Possibly Damaging"; Align-GVGD: "Class C0"). This variant has not been reported in the literature in individuals with PTCH1-related conditions. This variant is not present in population databases (ExAC no frequency).

NM_000264.5(PTCH1):c.2732A>T (p.Asp911Val)

Gene: PTCH1 (patched 1; minus strand). Cytogenetic location: 9q22.32.
Variant type: single nucleotide variant.
Coding change: c.2732A>T on transcript NM_000264.5 (MANE Select); coding-DNA position 2732, A replaced by T.
Protein change: p.Asp911Val; replaces aspartic acid 911 with valine.
Molecular consequence: missense variant. On other transcripts: non-coding transcript variant (1).
Genome position (GRCh38, 1-based): chr9:95,459,755, T>A on the plus strand (A>T on the coding strand, the complement: PTCH1 is on the minus strand). VCF-style: chr9-95459755-T-A. GRCh37 (hg19) VCF-style: chr9-98222037-T-A.
Other names: c.2534A>T, p.Asp845Val (NM_001083602.3); c.2729A>T, p.Asp910Val (NM_001083603.3); c.2279A>T, p.Asp760Val (NM_001083604.3, NM_001083605.3, NM_001083606.3 and 1 more transcripts); c.2576A>T, p.Asp859Val (NM_001354918.2); short protein forms D911V, D910V, D760V, D845V, D859V.
Identifiers: ClinVar variation 1039089 (VCV001039089.9), dbSNP rs1839297206, ClinGen allele CA374113202.
Genomic context (GRCh38, chr9:95,459,755, plus strand): 5'-GGGTCGTTGCTGACCCAAGCCGTCAGGTAGATGTAGAAAGCGCTGGGATTAATGATGCCA[T>A]CTGCATCCACCAGACGCTGTTTAGTCAACTACAAAAACGGGAAGAACAGAGGCCTTTGAG-3'
Protein context (NP_000255.2, residues 901-921): QLTKQRLVDA[Asp911Val]GIINPSAFYI